The following is an entry in ClinVar:

ClinVar aggregate classification (germline): Likely benign (1 of 4 stars; one submission).

Conditions:
PEX11B-related disorder. Also called: PEX11B-related condition.

Submission:

PreventionGenetics, part of Exact Sciences
Classification: Likely benign for PEX11B-related condition. Last evaluated: 2024-12-09. Review status: criteria provided, single submitter. Criteria: ACMG Guidelines, 2015. Collection method: clinical testing. Allele origin: germline.
Comment: This variant is classified as likely benign based on ACMG/AMP sequence variant interpretation guidelines (Richards et al. 2015 PMID: 25741868, with internal and published modifications).

NM_003846.3(PEX11B):c.56+198_56+199del

Gene: PEX11B (peroxisomal biogenesis factor 11 beta; minus strand). Cytogenetic location: 1q21.1.
Variant type: Deletion.
Coding change: c.56+198_56+199del on transcript NM_003846.3 (MANE Select); bases 198 to 199 of the intron after coding-DNA position 56, 2 bases deleted (TG; older notation c.56+198_56+199delTG).
Molecular consequence: intron variant. On other transcripts: frameshift variant (2), non-coding transcript variant (1).
Genome position (GRCh38, 1-based): chr1:145,918,434-145,918,435, CA deleted on the plus strand (TG on the coding strand, the reverse complement: PEX11B is on the minus strand). VCF-style (leftmost placement, unchanged base first): chr1-145918433-TCA-T. GRCh37 (hg19) VCF-style: chr1-145516653-CTG-C.
Other names: c.11_12del, p.Leu4fs (NM_001184795.1); c.11_12delTG (NM_001184795.1); short protein forms L4fs.
Identifiers: ClinVar variation 4993201 (VCV004993201.1).